The following is an entry in ClinVar:

NM_020987.5(ANK3):c.8710G>C (p.Glu2904Gln)

Gene: ANK3 (ankyrin 3; minus strand). Cytogenetic location: 10q21.2.
Variant type: single nucleotide variant.
Coding change: c.8710G>C on transcript NM_020987.5 (MANE Select); coding-DNA position 8710, G replaced by C.
Protein change: p.Glu2904Gln; replaces glutamic acid 2904 with glutamine.
Molecular consequence: missense variant. On other transcripts: intron variant (4).
Genome position (GRCh38, 1-based): chr10:60,072,171, C>G on the plus strand (G>C on the coding strand, the complement: ANK3 is on the minus strand). VCF-style: chr10-60072171-C-G. GRCh37 (hg19) VCF-style: chr10-61831929-C-G.
Other names: c.4388-4162G>C (NM_001204403.2); c.4409-4162G>C (NM_001204404.2); c.4406-4162G>C (NM_001320874.2); c.1808-4162G>C (NM_001149.4); c.8710G>C (NM_020987.3); short protein forms E2904Q.
Identifiers: ClinVar variation 2063502 (VCV002063502.5), dbSNP rs779062292, ClinGen allele CA5511503.
Genomic context (GRCh38, chr10:60,072,171, plus strand): 5'-GAGATTTTACAGTCATTTCTTTAATTTCTGAGAGAGAGCCGTTTGTTAACAATTTGCGTT[C>G]TCTCTCAGTCACAGACATAAATTCATTCTTTTGATCAACACTTTTACTCTCAGGGTGACC-3'
Protein context (NP_066267.2, residues 2894-2914): KNEFMSVTER[Glu2904Gln]RKLLTNGSLS

ClinVar aggregate classification (germline): Conflicting classifications of pathogenicity. Review status: criteria provided, conflicting classifications (1 of 4 stars). 2 submissions from 2 submitters: Uncertain significance (1); Likely benign (1). Last evaluated 2025-07-02.

Conditions:
Inborn genetic diseases. Identifiers: MedGen C0950123, MeSH D030342.

Allele frequency attached by ClinVar (database versions not stated): gnomAD exomes 0.00002; ExAC 0.00002; gnomAD 0.00001.
gnomAD v4.1: 15 of 1,613,628 alleles (0.00093%); highest among the groups gnomAD compares: Admixed American, 0.025%; 1 homozygote.

Submissions (2):

Ambry Genetics
Classification: Likely benign for Inborn genetic diseases. Last evaluated: 2025-07-02. Review status: criteria provided, single submitter. Criteria: Ambry Variant Classification Scheme 2023. Collection method: clinical testing. Allele origin: germline.

Labcorp Genetics (formerly Invitae), Labcorp
Classification: Uncertain significance. Last evaluated: 2022-08-17. Review status: criteria provided, single submitter. Criteria: Invitae Variant Classification Sherloc (09022015). Collection method: clinical testing. Allele origin: germline.
Comment: This sequence change replaces glutamic acid, which is acidic and polar, with glutamine, which is neutral and polar, at codon 2904 of the ANK3 protein (p.Glu2904Gln). This variant is present in population databases (rs779062292, gnomAD 0.04%), including at least one homozygous and/or hemizygous individual. This variant has not been reported in the literature in individuals affected with ANK3-related conditions. Algorithms developed to predict the effect of missense changes on protein structure and function are either unavailable or do not agree on the potential impact of this missense change (SIFT: "Not Available"; PolyPhen-2: "Probably Damaging"; Align-GVGD: "Not Available"). In summary, the available evidence is currently insufficient to determine the role of this variant in disease. Therefore, it has been classified as a Variant of Uncertain Significance.